The following is an entry in ClinVar:

NM_004329.3(BMPR1A):c.673T>C (p.Leu225=)

Gene: BMPR1A (bone morphogenetic protein receptor type 1A; plus strand). Cytogenetic location: 10q23.2.
Variant type: single nucleotide variant.
Coding change: c.673T>C on transcript NM_004329.3 (MANE Select); coding-DNA position 673, T replaced by C.
Protein change: p.Leu225=; no amino-acid change (leucine 225 retained).
Molecular consequence: synonymous variant.
Genome position (GRCh38, 1-based): chr10:86,912,382, T>C. VCF-style: chr10-86912382-T-C. GRCh37 (hg19) VCF-style: chr10-88672139-T-C.
Identifiers: ClinVar variation 628092 (VCV000628092.4), dbSNP rs1564722012, ClinGen allele CA470307762.

ClinVar aggregate classification (germline): Benign/Likely benign. Review status: criteria provided, multiple submitters, no conflicts (2 of 4 stars). 3 submissions from 3 submitters: Benign (1); Likely benign (2). Last evaluated 2024-08-02.

Conditions:
Juvenile polyposis syndrome (JPS). Identifiers: Orphanet 2929, MedGen C0345893, MONDO:0017380, OMIM 174900.
Hereditary cancer-predisposing syndrome. Also called: Tumor predisposition; Neoplastic Syndromes, Hereditary; Hereditary Cancer Syndrome; Hereditary neoplastic syndrome. Identifiers: Orphanet 140162, MedGen C0027672, MeSH D009386, MONDO:0015356.

Submissions (3):

Myriad Genetics, Inc.
Classification: Benign for Juvenile polyposis syndrome. Last evaluated: 2024-08-02. Review status: criteria provided, single submitter. Criteria: Myriad Autosomal Dominant, Autosomal Recessive and X-Linked Classification Criteria (2023). Collection method: clinical testing. Allele origin: unknown.
Comment: This variant is considered benign. This variant is a silent/synonymous amino acid change and it is not expected to impact splicing.

Ambry Genetics
Classification: Likely benign for Hereditary cancer-predisposing syndrome. Last evaluated: 2023-12-29. Review status: criteria provided, single submitter. Criteria: Ambry Variant Classification Scheme 2023. Collection method: clinical testing. Allele origin: germline.

Color Diagnostics, LLC DBA Color Health
Classification: Likely benign for Hereditary cancer-predisposing syndrome. Last evaluated: 2018-03-27. Review status: criteria provided, single submitter. Criteria: ACMG Guidelines, 2015. Collection method: clinical testing. Allele origin: germline.